The following is an entry in ClinVar:

ClinVar aggregate classification (germline): Uncertain significance. Review status: criteria provided, multiple submitters, no conflicts (2 of 4 stars). 3 submissions from 3 submitters: Uncertain significance (3). Last evaluated 2025-09-05.

Conditions:
Cardiovascular phenotype. Identifiers: MedGen CN230736.
Cardiomyopathy (CMYO). Also called: Cardiomyopathies. Identifiers: Orphanet 167848, MedGen C0878544, MONDO:0004994, HP:0001638. Inheritance: Various modes of inheritance.
Arrhythmogenic right ventricular dysplasia 8 (ARVD8). Also called: Arrhythmogenic Right Ventricular Dysplasia/Cardiomyopathy 8; ARRHYTHMOGENIC RIGHT VENTRICULAR DYSPLASIA, FAMILIAL, 8; ARRHYTHMOGENIC RIGHT VENTRICULAR CARDIOMYOPATHY 8. Identifiers: MedGen C1843896, MONDO:0011831, OMIM 607450.
Arrhythmogenic cardiomyopathy with wooly hair and keratoderma. Also called: PALMOPLANTAR KERATODERMA WITH LEFT VENTRICULAR CARDIOMYOPATHY AND WOOLLY HAIR; Carvajal syndrome; Dilated cardiomyopathy with woolly hair and keratoderma; Arrhythmogenic cardiomyopathy with woolly hair and keratoderma. Identifiers: Orphanet 65282, MedGen C1854063, MONDO:0011581, OMIM 605676.

Allele frequency attached by ClinVar (database versions not stated): gnomAD 0.00001.
gnomAD v4.1: 2 of 1,609,266 alleles (0.00012%); highest among the groups gnomAD compares: African/African-American, 0.0027%; no homozygotes.

Submissions (3):

Labcorp Genetics (formerly Invitae), Labcorp
Classification: Uncertain significance for Arrhythmogenic cardiomyopathy with wooly hair and keratoderma; Arrhythmogenic right ventricular dysplasia 8. Last evaluated: 2025-09-05. Review status: criteria provided, single submitter. Criteria: Invitae Variant Classification Sherloc (09022015). Collection method: clinical testing. Allele origin: germline.
Comment: This sequence change replaces proline, which is neutral and non-polar, with glutamine, which is neutral and polar, at codon 9 of the DSP protein (p.Pro9Gln). The frequency data for this variant in the population databases is considered unreliable, as metrics indicate poor data quality at this position in the gnomAD database. This variant has not been reported in the literature in individuals affected with DSP-related conditions. ClinVar contains an entry for this variant (Variation ID: 923354). An algorithm developed to predict the effect of missense changes on protein structure and function (PolyPhen-2) suggests that this variant is likely to be tolerated. In summary, the available evidence is currently insufficient to determine the role of this variant in disease. Therefore, it has been classified as a Variant of Uncertain Significance.

Ambry Genetics
Classification: Uncertain significance for Cardiovascular phenotype. Last evaluated: 2023-03-01. Review status: criteria provided, single submitter. Criteria: Ambry Variant Classification Scheme 2023. Collection method: clinical testing. Allele origin: germline.
Comment: The p.P9Q variant (also known as c.26C>A), located in coding exon 1 of the DSP gene, results from a C to A substitution at nucleotide position 26. The proline at codon 9 is replaced by glutamine, an amino acid with similar properties. This amino acid position is well conserved in available vertebrate species. In addition, this alteration is predicted to be tolerated by in silico analysis. Since supporting evidence is limited at this time, the clinical significance of this alteration remains unclear.

Color Diagnostics, LLC DBA Color Health
Classification: Uncertain significance for Cardiomyopathy. Last evaluated: 2020-03-09. Review status: criteria provided, single submitter. Criteria: ACMG Guidelines, 2015. Collection method: clinical testing. Allele origin: germline.
Comment: This missense variant replaces proline with glutamine at codon 9 of the DSP protein. Computational prediction suggests that this variant may not impact protein structure and function (internally defined REVEL score threshold <= 0.5, PMID: 27666373). Splice site prediction tools suggest that this variant may not impact RNA splicing. To our knowledge, functional studies have not been reported for this variant. This variant has not been reported in individuals affected with cardiovascular disorders in the literature. This variant has not been identified in the general population by the Genome Aggregation Database (gnomAD). The available evidence is insufficient to determine the role of this variant in disease conclusively. Therefore, this variant is classified as a Variant of Uncertain Significance.

NM_004415.4(DSP):c.26C>A (p.Pro9Gln)

Genes: DSP-AS1 (DSP antisense RNA 1; minus strand), DSP (desmoplakin; plus strand). Cytogenetic location: 6p24.3.
Variant type: single nucleotide variant.
Coding change: c.26C>A on transcript NM_004415.4 (MANE Select); coding-DNA position 26, C replaced by A.
Protein change: p.Pro9Gln; replaces proline 9 with glutamine.
Molecular consequence: missense variant.
Genome position (GRCh38, 1-based): chr6:7,541,941, C>A. VCF-style: chr6-7541941-C-A. GRCh37 (hg19) VCF-style: chr6-7542174-C-A.
Other names: c.26C>A, p.Pro9Gln (NM_001008844.3, NM_001319034.2); short protein forms P9Q.
Identifiers: ClinVar variation 923354 (VCV000923354.7), dbSNP rs1303669220, ClinGen allele CA362675494.